The following is an entry in ClinVar:

NM_182972.3(IRF2BP2):c.14TGGCGG[3] (p.Ala8_Ala9insValAla)

Gene: IRF2BP2 (interferon regulatory factor 2 binding protein 2; minus strand). Cytogenetic location: 1q42.3.
Variant type: Microsatellite.
Coding change: c.14TGGCGG[3] on transcript NM_182972.3 (MANE Select); three copies in a row of the 6-base unit TGGCGG starting at c.14; the reference has two copies in a row; one copy, 6 bases duplicated.
Protein change: p.Ala8_Ala9insValAla.
Molecular consequence: inframe insertion.
Genome position (GRCh38, 1-based): chr1:234,609,470-234,609,475, CCGCCA duplicated on the plus strand (TGGCGG on the coding strand, the reverse complement: IRF2BP2 is on the minus strand); duplicating any 6 consecutive bases within chr1:234,609,470-234,609,486 gives the same sequence; the position shown is the placement nearest the transcript's 3' end. VCF-style (leftmost placement, unchanged base first): chr1-234609469-G-GCCGCCA. GRCh37 (hg19) VCF-style: chr1-234745215-G-GCCGCCA.
Other names: c.14TGGCGG[3], p.Ala8_Ala9insValAla (NM_001077397.1); c.20_25dup6 (NM_182972.2).
Identifiers: ClinVar variation 1932460 (VCV001932460.8), dbSNP rs966591899, ClinGen allele CA39547029.
Genomic context (GRCh38, chr1:234,609,469, plus strand): 5'-ATCATGGCCCAGGGCATGCGGGGCAGGTCACACAGGTAGCACGACTGCCGCCGGGACGCG[G>GCCGCCA]CCGCCACCGCCACCGCCGCGGCCATGTCCGAGGAGCCCGCGACGCCGGAGGAGGAGGCGG-3'

ClinVar aggregate classification (germline): Uncertain significance. Review status: criteria provided, multiple submitters, no conflicts (2 of 4 stars). 3 submissions from 3 submitters: Uncertain significance (2). 1 of the submissions does not count toward it. Last evaluated 2025-09-28.

Conditions:
IRF2BP2-related disorder. Also called: IRF2BP2-related condition.

Submissions (3):

Labcorp Genetics (formerly Invitae), Labcorp
Classification: Uncertain significance. Last evaluated: 2025-09-28. Review status: criteria provided, single submitter. Criteria: Invitae Variant Classification Sherloc (09022015). Collection method: clinical testing. Allele origin: germline.
Comment: This variant, c.20_25dup, results in the insertion of 2 amino acid(s) of the IRF2BP2 protein (p.Val7_Ala8dup), but otherwise preserves the integrity of the reading frame. This variant is not present in population databases (gnomAD no frequency). This variant has not been reported in the literature in individuals affected with IRF2BP2-related conditions. In summary, the available evidence is currently insufficient to determine the role of this variant in disease. Therefore, it has been classified as a Variant of Uncertain Significance.

Blueprint Genetics
Classification: Uncertain significance. Last evaluated: 2023-10-25. Review status: criteria provided, single submitter. Criteria: ACMG Guidelines, 2015. Collection method: clinical testing. Allele origin: germline.

PreventionGenetics, part of Exact Sciences
Classification: Uncertain significance for IRF2BP2-related condition. Last evaluated: 2023-11-07. Review status: no assertion criteria provided. Collection method: clinical testing. Allele origin: germline. Not counted in ClinVar's aggregate classification.
Comment: The IRF2BP2 c.20_25dup6 variant is predicted to result in an in-frame duplication (p.Val7_Ala8dup). To our knowledge, this variant has not been reported in the literature or in a large population database, indicating this variant is rare. At this time, the clinical significance of this variant is uncertain due to the absence of conclusive functional and genetic evidence.